The following is an entry in ClinVar:

NM_170601.5(SIAE):c.926A>G (p.Gln309Arg)

Gene: SIAE (sialic acid acetylesterase; minus strand). Cytogenetic location: 11q24.2.
Variant type: single nucleotide variant.
Coding change: c.926A>G on transcript NM_170601.5 (MANE Select); coding-DNA position 926, A replaced by G.
Protein change: p.Gln309Arg; replaces glutamine 309 with arginine.
Molecular consequence: missense variant.
Genome position (GRCh38, 1-based): chr11:124,647,405, T>C on the plus strand (A>G on the coding strand, the complement: SIAE is on the minus strand). VCF-style: chr11-124647405-T-C. GRCh37 (hg19) VCF-style: chr11-124517301-T-C.
Other names: c.926A>G (NM_170601.4); c.821A>G, p.Gln274Arg (NM_001199922.2); short protein forms Q274R, Q309R.
Identifiers: ClinVar variation 1400003 (VCV001400003.9), dbSNP rs757586703, ClinGen allele CA6341371.

ClinVar aggregate classification (germline): Uncertain significance. Review status: criteria provided, multiple submitters, no conflicts (2 of 4 stars). 2 submissions from 2 submitters: Uncertain significance (2). Last evaluated 2025-04-29.

gnomAD v4.1: 17 of 1,614,066 alleles (0.0011%); highest among the groups gnomAD compares: African/African-American, 0.023%; no homozygotes.

Submissions (2):

Ambry Genetics
Classification: Uncertain significance. Last evaluated: 2025-04-29. Review status: criteria provided, single submitter. Criteria: Ambry Variant Classification Scheme 2023. Collection method: clinical testing. Allele origin: germline.

Labcorp Genetics (formerly Invitae), Labcorp
Classification: Uncertain significance. Last evaluated: 2024-05-07. Review status: criteria provided, single submitter. Criteria: Invitae Variant Classification Sherloc (09022015). Collection method: clinical testing. Allele origin: germline.
Comment: This sequence change replaces glutamine, which is neutral and polar, with arginine, which is basic and polar, at codon 309 of the SIAE protein (p.Gln309Arg). This variant is present in population databases (rs757586703, gnomAD 0.02%). This variant has not been reported in the literature in individuals affected with SIAE-related conditions. ClinVar contains an entry for this variant (Variation ID: 1400003). An algorithm developed to predict the effect of missense changes on protein structure and function (PolyPhen-2) suggests that this variant is likely to be tolerated. In summary, the available evidence is currently insufficient to determine the role of this variant in disease. Therefore, it has been classified as a Variant of Uncertain Significance.